The following is an entry in ClinVar:

NM_005186.4(CAPN1):c.759+1G>A

Gene: CAPN1 (calpain 1; plus strand). Cytogenetic location: 11q13.1.
Variant type: single nucleotide variant.
Coding change: c.759+1G>A on transcript NM_005186.4 (MANE Select); the canonical splice donor site of the intron after coding-DNA position 759, G replaced by A.
Molecular consequence: splice donor variant.
Genome position (GRCh38, 1-based): chr11:65,186,339, G>A. VCF-style: chr11-65186339-G-A. GRCh37 (hg19) VCF-style: chr11-64953810-G-A.
Other names: c.759+1G>A (NM_001198868.2, NM_001198869.2).
Identifiers: ClinVar variation 987432 (VCV000987432.3), dbSNP rs1421591415, ClinGen allele CA381244789.

ClinVar aggregate classification (germline): Pathogenic. Review status: criteria provided, multiple submitters, no conflicts (2 of 4 stars). 2 submissions from 2 submitters: Pathogenic (2). Last evaluated 2024-03-01.

gnomAD v4.1: 7 of 1,609,180 alleles (0.00044%); highest among the groups gnomAD compares: East Asian, 0.0022%; no homozygotes.

Submissions (2):

GeneDx
Classification: Pathogenic. Last evaluated: 2024-03-01. Review status: criteria provided, single submitter. Criteria: GeneDx Variant Classification Process June 2021. Collection method: clinical testing. Allele origin: germline. Affected: yes.
Comment: Canonical splice site variant predicted to result in a null allele in a gene for which loss of function is a known mechanism of disease; This variant is associated with the following publications: (PMID: 31227335, 31355030, 28321562, 31982778, 33486633, 30572172, 32860341, 31289639, 33624863, 37787810)

Institute of Medical Genetics and Applied Genomics, University Hospital Tübingen
Classification: Pathogenic. Last evaluated: 2020-10-23. Review status: criteria provided, single submitter. Criteria: ACMG Guidelines, 2015. Collection method: clinical testing. Allele origin: germline. Inheritance: Autosomal recessive inheritance. Affected: yes.